The following is an entry in ClinVar:

NM_001364857.2(ADGRB2):c.4679G>A (p.Arg1560Gln)

Gene: ADGRB2 (adhesion G protein-coupled receptor B2; minus strand). Cytogenetic location: 1p35.2.
Variant type: single nucleotide variant.
Coding change: c.4679G>A on transcript NM_001364857.2 (MANE Select); coding-DNA position 4679, G replaced by A.
Protein change: p.Arg1560Gln; replaces arginine 1560 with glutamine.
Molecular consequence: missense variant.
Genome position (GRCh38, 1-based): chr1:31,727,499, C>T on the plus strand (G>A on the coding strand, the complement: ADGRB2 is on the minus strand). VCF-style: chr1-31727499-C-T. GRCh37 (hg19) VCF-style: chr1-32193100-C-T.
Other names: c.4676G>A, p.Arg1559Gln (NM_001294335.2); c.4577G>A, p.Arg1526Gln (NM_001294336.2); c.4679G>A, p.Arg1560Gln (NM_001703.2); short protein forms R1559Q, R1560Q, R1526Q.
Identifiers: ClinVar variation 3015695 (VCV003015695.3), dbSNP rs747810006, ClinGen allele CA734940.

ClinVar aggregate classification (germline): Uncertain significance. Review status: criteria provided, multiple submitters, no conflicts (2 of 4 stars). 2 submissions from 2 submitters: Uncertain significance (2). Last evaluated 2025-01-19.

Allele frequency attached by ClinVar (database versions not stated): gnomAD 0.00001; gnomAD exomes 0.00001; ExAC 0.00002; TOPMed 0.00002.
gnomAD v4.1: 16 of 1,596,366 alleles (0.001%); highest among the groups gnomAD compares: Admixed American, 0.0074%; no homozygotes.

Submissions (2):

Ambry Genetics
Classification: Uncertain significance. Last evaluated: 2025-01-19. Review status: criteria provided, single submitter. Criteria: Ambry Variant Classification Scheme 2023. Collection method: clinical testing. Allele origin: germline.

Labcorp Genetics (formerly Invitae), Labcorp
Classification: Uncertain significance. Last evaluated: 2024-10-17. Review status: criteria provided, single submitter. Criteria: Invitae Variant Classification Sherloc (09022015). Collection method: clinical testing. Allele origin: germline.
Comment: This sequence change replaces arginine, which is basic and polar, with glutamine, which is neutral and polar, at codon 1526 of the ADGRB2 protein (p.Arg1526Gln). This variant is present in population databases (rs747810006, gnomAD 0.007%). This variant has not been reported in the literature in individuals affected with ADGRB2-related conditions. An algorithm developed to predict the effect of missense changes on protein structure and function (PolyPhen-2) suggests that this variant is likely to be disruptive. In summary, the available evidence is currently insufficient to determine the role of this variant in disease. Therefore, it has been classified as a Variant of Uncertain Significance.